The following is an entry in ClinVar:

NM_001105206.3(LAMA4):c.3557+6G>A

Gene: LAMA4 (laminin subunit alpha 4; minus strand). Cytogenetic location: 6q21.
Variant type: single nucleotide variant.
Coding change: c.3557+6G>A on transcript NM_001105206.3 (MANE Select); 6 bases into the intron after coding-DNA position 3557, G replaced by A.
Molecular consequence: intron variant.
Genome position (GRCh38, 1-based): chr6:112,134,461, C>T on the plus strand (G>A on the coding strand, the complement: LAMA4 is on the minus strand). VCF-style: chr6-112134461-C-T. GRCh37 (hg19) VCF-style: chr6-112455663-C-T.
Other names: c.3536+6G>A (NM_002290.5, NM_001105207.3).
Identifiers: ClinVar variation 2766050 (VCV002766050.3), dbSNP rs782019593, ClinGen allele CA3965194.
Genomic context (GRCh38, chr6:112,134,461, plus strand): 5'-CTCTCCTGGATGTTGCCAGCCCAGTACATTGCTAGGAACAAACAGCTACTTAACAAAAAG[C>T]CTTACCTGGATTGTAAGATTTCTGGAGGAGCTCCTCCAATGTATATATCTGTAAAAGGTA-3'

ClinVar aggregate classification (germline): Uncertain significance (1 of 4 stars; one submission).

Conditions:
Dilated cardiomyopathy 1JJ (CMD1JJ). Identifiers: Orphanet 154, MedGen C3808935, MONDO:0014095, OMIM 615235.

gnomAD v4.1: 17 of 1,613,202 alleles (0.0011%); highest among the groups gnomAD compares: Middle Eastern, 0.016%; no homozygotes.

Submission:

Labcorp Genetics (formerly Invitae), Labcorp
Classification: Uncertain significance for Dilated cardiomyopathy 1JJ. Last evaluated: 2025-12-13. Review status: criteria provided, single submitter. Criteria: Invitae Variant Classification Sherloc (09022015). Collection method: clinical testing. Allele origin: germline.
Comment: This sequence change falls in intron 26 of the LAMA4 gene. It does not directly change the encoded amino acid sequence of the LAMA4 protein. It affects a nucleotide within the consensus splice site. This variant is present in population databases (rs782019593, gnomAD 0.006%). This variant has not been reported in the literature in individuals affected with LAMA4-related conditions. ClinVar contains an entry for this variant (Variation ID: 2766050). Variants that disrupt the consensus splice site are a relatively common cause of aberrant splicing (PMID: 17576681, 9536098). Algorithms developed to predict the effect of sequence changes on RNA splicing suggest that this variant is not likely to affect RNA splicing. In summary, the available evidence is currently insufficient to determine the role of this variant in disease. Therefore, it has been classified as a Variant of Uncertain Significance.

Literature cited by the submitters: PubMed 17576681; PubMed 9536098.